The following is an entry in ClinVar:

NC_000004.11:g.(?_100239320)_(100528137_?)del

Genes: C4orf17 (chromosome 4 open reading frame 17; plus strand), ADH7 (alcohol dehydrogenase 7 (class IV), mu or sigma polypeptide; minus strand), ADH1B (alcohol dehydrogenase 1B (class I), beta polypeptide; minus strand), ADH1C (alcohol dehydrogenase 1C (class I), gamma polypeptide; minus strand), MTTP (microsomal triglyceride transfer protein; plus strand) and 1 more. Cytogenetic location: 4q23.
Variant type: Deletion.
Identifiers: ClinVar variation 2427353 (VCV002427353.3).

ClinVar aggregate classification (germline): Pathogenic (1 of 4 stars; one submission).

Submission:

Labcorp Genetics (formerly Invitae), Labcorp
Classification: Pathogenic. Last evaluated: 2022-10-21. Review status: criteria provided, single submitter. Criteria: Invitae Variant Classification Sherloc (09022015). Collection method: clinical testing. Allele origin: germline.
Comment: A gross deletion of the genomic region encompassing the full coding sequence of the TRMT10A gene has been identified. Loss-of-function variants in TRMT10A are known to be pathogenic (PMID: 24204302, 26535115). The boundaries of this event are unknown as they extend beyond the assayed region for this gene and therefore may encompass additional genes. Isolated whole-gene deletions of TRMT10A have not been reported in the literature. However, larger copy number events that include this gene have been reported (PMID: 26297882). For these reasons, this variant has been classified as Pathogenic.

Literature cited by the submitters: PubMed 24204302; PubMed 26535115; PubMed 26297882.